The following is an entry in ClinVar:

NM_004380.3(CREBBP):c.6581G>T (p.Arg2194Leu)

Gene: CREBBP (CREB binding lysine acetyltransferase; minus strand). Cytogenetic location: 16p13.3.
Variant type: single nucleotide variant.
Coding change: c.6581G>T on transcript NM_004380.3 (MANE Select); coding-DNA position 6581, G replaced by T.
Protein change: p.Arg2194Leu; replaces arginine 2194 with leucine.
Molecular consequence: missense variant.
Genome position (GRCh38, 1-based): chr16:3,728,466, C>A on the plus strand (G>T on the coding strand, the complement: CREBBP is on the minus strand). VCF-style: chr16-3728466-C-A. GRCh37 (hg19) VCF-style: chr16-3778467-C-A.
Other names: c.6467G>T, p.Arg2156Leu (NM_001079846.1); short protein forms R2156L, R2194L.
Identifiers: ClinVar variation 5005584 (VCV005005584.2).

ClinVar aggregate classification (germline): Uncertain significance (1 of 4 stars; one submission).

Conditions:
Menke-Hennekam syndrome 1 (MKHK1). Identifiers: MedGen C5193034, MONDO:0020763, OMIM 618332.
Rubinstein-Taybi syndrome due to CREBBP mutations (RSTS1). Also called: BROAD THUMB-HALLUX SYNDROME; BROAD THUMBS AND GREAT TOES, CHARACTERISTIC FACIES, AND IMPAIRED INTELLECTUAL DEVELOPMENT; RUBINSTEIN SYNDROME; RUBINSTEIN-TAYBI SYNDROME 1, INCOMPLETE; CREBBP-Related Rubinstein-Taybi Syndrome; Rubinstein-Taybi syndrome 1. Identifiers: Orphanet 353277, Orphanet 783, MedGen C4551859, MONDO:0008393, OMIM 180849.

Submission:

Juno Genomics, Hangzhou Juno Genomics, Inc
Classification: Uncertain significance for Menke-Hennekam syndrome 1; Rubinstein-Taybi syndrome due to CREBBP mutations. Review status: criteria provided, single submitter. Criteria: ACMG Guidelines, 2015. Collection method: clinical testing. Allele origin: germline.
Comment: Absent from controls (or at extremely low frequency if recessive) in Genome Aggregation Database.;Missense variant in a gene that has a low rate of benign missense variation.